The following is an entry in ClinVar:

ClinVar aggregate classification (germline): Conflicting classifications of pathogenicity. Review status: criteria provided, conflicting classifications (1 of 4 stars). 5 submissions from 5 submitters: Uncertain significance (4); Likely benign (1). Last evaluated 2025-06-01.

Conditions:
Cardiovascular phenotype. Identifiers: MedGen CN230736.
Dilated cardiomyopathy 1G (CMD1G). Identifiers: Orphanet 154, MedGen C1858763, MONDO:0011400, OMIM 604145.
Autosomal recessive limb-girdle muscular dystrophy type 2J (LGMDR10). Also called: Limb-girdle muscular dystrophy, type 2J; MUSCULAR DYSTROPHY, LIMB-GIRDLE, AUTOSOMAL RECESSIVE 10. Identifiers: Orphanet 140922, MedGen C1837342, MONDO:0012127, OMIM 608807.

Allele frequency attached by ClinVar (database versions not stated): ExAC 0.00002; gnomAD exomes 0.00003; TOPMed 0.00001; gnomAD 0.00007 and 0.00008; 1000 Genomes Project 30x 0.00016; 1000 Genomes Project 0.00020.
gnomAD v4.1: 55 of 1,599,012 alleles (0.0034%); highest among the groups gnomAD compares: Non-Finnish European, 0.0043%; no homozygotes.

Submissions (5):

CeGaT Center for Human Genetics Tuebingen
Classification: Uncertain significance. Last evaluated: 2025-06-01. Review status: criteria provided, single submitter. Criteria: CeGaT Center For Human Genetics Tuebingen Variant Classification Criteria Version 2. Collection method: clinical testing. Allele origin: germline. Affected: yes. Observed: 3 variant alleles.
Comment: TTN: PM2, BP4

Revvity Omics, Revvity
Classification: Uncertain significance. Last evaluated: 2024-06-25. Review status: criteria provided, single submitter. Criteria: ACMG Guidelines, 2015. Collection method: clinical testing. Allele origin: germline.

GeneDx
Classification: Likely benign. Last evaluated: 2020-12-29. Review status: criteria provided, single submitter. Criteria: GeneDx Variant Classification Process June 2021. Collection method: clinical testing. Allele origin: germline. Affected: yes.

Ambry Genetics
Classification: Uncertain significance for Cardiovascular phenotype. Last evaluated: 2019-11-01. Review status: criteria provided, single submitter. Criteria: Ambry Variant Classification Scheme 2023. Collection method: clinical testing. Allele origin: germline.
Comment: The p.S26439T variant (also known as c.79316G>C), located in coding exon 186 of the TTN gene, results from a G to C substitution at nucleotide position 79316. The serine at codon 26439 is replaced by threonine, an amino acid with similar properties. This amino acid position is well conserved in available vertebrate species. In addition, this alteration is predicted to be tolerated by in silico analysis. Since supporting evidence is limited at this time, the clinical significance of this alteration remains unclear.

Labcorp Genetics (formerly Invitae), Labcorp
Classification: Uncertain significance for Dilated cardiomyopathy 1G; Autosomal recessive limb-girdle muscular dystrophy type 2J. Last evaluated: 2017-11-06. Review status: criteria provided, single submitter. Criteria: Invitae Variant Classification Sherloc (09022015). Collection method: clinical testing. Allele origin: germline.

NM_001267550.2(TTN):c.106511G>C (p.Ser35504Thr)

Genes: TTN (titin; minus strand), TTN-AS1 (TTN antisense RNA 1; plus strand). Cytogenetic location: 2q31.2.
Variant type: single nucleotide variant.
Coding change: c.106511G>C on transcript NM_001267550.2 (MANE Select); coding-DNA position 106511, G replaced by C.
Protein change: p.Ser35504Thr; replaces serine 35504 with threonine.
Molecular consequence: missense variant.
Genome position (GRCh38, 1-based): chr2:178,529,980, C>G on the plus strand (G>C on the coding strand, the complement: TTN is on the minus strand). VCF-style: chr2-178529980-C-G. GRCh37 (hg19) VCF-style: chr2-179394707-C-G.
Other names: c.101588G>C, p.Ser33863Thr (NM_001256850.1); c.79316G>C, p.Ser26439Thr (NM_003319.4); c.98807G>C, p.Ser32936Thr (NM_133378.4); c.79691G>C, p.Ser26564Thr (NM_133432.3); c.79892G>C, p.Ser26631Thr (NM_133437.4); short protein forms S35504T, S26564T, S26439T, S26631T, S32936T, S33863T.
Identifiers: ClinVar variation 535557 (VCV000535557.50), dbSNP rs575070622, ClinGen allele CA1985096.